The following is an entry in ClinVar:

ClinVar aggregate classification (germline): Uncertain significance (1 of 4 stars; one submission).

Conditions:
EGFR-related lung cancer (EGFR). Identifiers: MedGen CN130014.

Submission:

Labcorp Genetics (formerly Invitae), Labcorp
Classification: Uncertain significance for EGFR-related lung cancer. Last evaluated: 2023-10-26. Review status: criteria provided, single submitter. Criteria: Invitae Variant Classification Sherloc (09022015). Collection method: clinical testing. Allele origin: germline.
Comment: This sequence change replaces alanine, which is neutral and non-polar, with serine, which is neutral and polar, at codon 722 of the EGFR protein (p.Ala722Ser). This variant is not present in population databases (gnomAD no frequency). This variant has not been reported in the literature in individuals affected with EGFR-related conditions. Advanced modeling of protein sequence and biophysical properties (such as structural, functional, and spatial information, amino acid conservation, physicochemical variation, residue mobility, and thermodynamic stability) performed at Invitae indicates that this missense variant is expected to disrupt EGFR protein function with a positive predictive value of 80%. In summary, the available evidence is currently insufficient to determine the role of this variant in disease. Therefore, it has been classified as a Variant of Uncertain Significance.

NM_005228.5(EGFR):c.2164G>T (p.Ala722Ser)

Gene: EGFR (epidermal growth factor receptor; plus strand). Cytogenetic location: 7p11.2.
Variant type: single nucleotide variant.
Coding change: c.2164G>T on transcript NM_005228.5 (MANE Select); coding-DNA position 2164, G replaced by T.
Protein change: p.Ala722Ser; replaces alanine 722 with serine.
Molecular consequence: missense variant.
Genome position (GRCh38, 1-based): chr7:55,174,023, G>T. VCF-style: chr7-55174023-G-T. GRCh37 (hg19) VCF-style: chr7-55241716-G-T.
Other names: c.2029G>T, p.Ala677Ser (NM_001346897.2, NM_001346899.2); c.2164G>T, p.Ala722Ser (NM_001346898.2); c.2005G>T, p.Ala669Ser (NM_001346900.2); c.1363G>T, p.Ala455Ser (NM_001346941.2); short protein forms A677S, A669S, A455S, A722S.
Identifiers: ClinVar variation 2771877 (VCV002771877.3), dbSNP rs2128953747, ClinGen allele CA367583778.